The following is an entry in ClinVar:

ClinVar aggregate classification (germline): Uncertain significance. Review status: criteria provided, multiple submitters, no conflicts (2 of 4 stars). 2 submissions from 2 submitters: Uncertain significance (2). Last evaluated 2025-07-01.

Conditions:
Paget disease of bone 2, early-onset (PDB2). Also called: Paget disease of bone 2. Identifiers: MedGen C4085251, MONDO:0011183, OMIM 602080.
Frontotemporal dementia and/or amyotrophic lateral sclerosis 1 (FTDALS1). Also called: C9orf72 Frontotemporal Dementia and/or Amyotrophic Lateral Sclerosis; Frontotemporal dementia with motor neuron disease 1. Identifiers: Orphanet 275872, MedGen C5779877, MONDO:0007105, OMIM 105550.
Inborn genetic diseases. Identifiers: MedGen C0950123, MeSH D030342.

Allele frequency attached by ClinVar (database versions not stated): ExAC 0.00001; gnomAD 0.00001.
gnomAD v4.1: 5 of 1,613,972 alleles (0.00031%); highest among the groups gnomAD compares: Middle Eastern, 0.033%; no homozygotes.

Submissions (2):

Ambry Genetics
Classification: Uncertain significance for Inborn genetic diseases. Last evaluated: 2025-07-01. Review status: criteria provided, single submitter. Criteria: Ambry Variant Classification Scheme 2023. Collection method: clinical testing. Allele origin: germline.

Labcorp Genetics (formerly Invitae), Labcorp
Classification: Uncertain significance for Paget disease of bone 2, early-onset; Frontotemporal dementia and/or amyotrophic lateral sclerosis 1. Last evaluated: 2023-09-22. Review status: criteria provided, single submitter. Criteria: Invitae Variant Classification Sherloc (09022015). Collection method: clinical testing. Allele origin: germline.
Comment: This sequence change replaces proline, which is neutral and non-polar, with serine, which is neutral and polar, at codon 384 of the SQSTM1 protein (p.Pro384Ser). This variant is present in population databases (rs779915504, gnomAD 0.0009%). This variant has not been reported in the literature in individuals affected with SQSTM1-related conditions. Advanced modeling of protein sequence and biophysical properties (such as structural, functional, and spatial information, amino acid conservation, physicochemical variation, residue mobility, and thermodynamic stability) performed at Invitae indicates that this missense variant is expected to disrupt SQSTM1 protein function. In summary, the available evidence is currently insufficient to determine the role of this variant in disease. Therefore, it has been classified as a Variant of Uncertain Significance.

NM_003900.5(SQSTM1):c.1150C>T (p.Pro384Ser)

Gene: SQSTM1 (sequestosome 1; plus strand). Cytogenetic location: 5q35.3.
Variant type: single nucleotide variant.
Coding change: c.1150C>T on transcript NM_003900.5 (MANE Select); coding-DNA position 1150, C replaced by T.
Protein change: p.Pro384Ser; replaces proline 384 with serine.
Molecular consequence: missense variant.
Genome position (GRCh38, 1-based): chr5:179,833,767, C>T. VCF-style: chr5-179833767-C-T. GRCh37 (hg19) VCF-style: chr5-179260767-C-T.
Other names: c.898C>T, p.Pro300Ser (NM_001142298.2, NM_001142299.2); c.1150C>T (NM_003900.4); short protein forms P300S, P384S.
Identifiers: ClinVar variation 2932654 (VCV002932654.4), dbSNP rs779915504, ClinGen allele CA3600810.